The following is an entry in ClinVar:

NM_031263.4(HNRNPK):c.637A>T (p.Ile213Leu)

Genes: HNRNPK-AS1 (HNRNPK antisense RNA 1; plus strand), HNRNPK (heterogeneous nuclear ribonucleoprotein K; minus strand). Cytogenetic location: 9q21.32.
Variant type: single nucleotide variant.
Coding change: c.637A>T on transcript NM_031263.4 (MANE Select); coding-DNA position 637, A replaced by T.
Protein change: p.Ile213Leu; replaces isoleucine 213 with leucine.
Molecular consequence: missense variant.
Genome position (GRCh38, 1-based): chr9:83,972,852, T>A on the plus strand (A>T on the coding strand, the complement: HNRNPK is on the minus strand). VCF-style: chr9-83972852-T-A. GRCh37 (hg19) VCF-style: chr9-86587767-T-A.
Other names: c.565A>T, p.Ile189Leu (NM_001318186.2, NM_001318187.2); c.637A>T, p.Ile213Leu (NM_001318188.2, NM_002140.5, NM_031262.4); short protein forms I189L, I213L.
Identifiers: ClinVar variation 4537108 (VCV004537108.1).

ClinVar aggregate classification (germline): Uncertain significance (1 of 4 stars; one submission).

gnomAD v4.1: 1 of 1,594,496 alleles (0.000063%); highest among the groups gnomAD compares: Admixed American, 0.0018%; no homozygotes.

Submission:

Women's Health and Genetics/Laboratory Corporation of America, LabCorp
Classification: Uncertain significance. Last evaluated: 2025-11-04. Review status: criteria provided, single submitter. Criteria: LabCorp Variant Classification Summary - May 2015. Collection method: clinical testing. Allele origin: germline.
Comment: Variant summary: HNRNPK c.637A>T (p.Ile213Leu) results in a conservative amino acid change in the encoded protein sequence. Algorithms developed to predict the effect of missense changes on protein structure and function are either unavailable or do not agree on the potential impact of this missense change. The variant was absent in 236178 control chromosomes. The available data on variant occurrences in the general population are insufficient to allow any conclusion about variant significance. To our knowledge, no occurrence of c.637A>T in individuals affected with HNRNPK-related conditions and no experimental evidence demonstrating its impact on protein function have been reported. No submitters have cited clinical-significance assessments for this variant to ClinVar. Based on the evidence outlined above, the variant was classified as uncertain significance.